The following is an entry in ClinVar:

ClinVar aggregate classification (germline): Uncertain significance (1 of 4 stars; one submission).

Allele frequency attached by ClinVar (database versions not stated): gnomAD exomes below 0.00001.

Submission:

CeGaT Center for Human Genetics Tuebingen
Classification: Uncertain significance. Last evaluated: 2022-07-01. Review status: criteria provided, single submitter. Criteria: CeGaT Center For Human Genetics Tuebingen Variant Classification Criteria Version 2. Collection method: clinical testing. Allele origin: germline. Affected: yes. Observed: 1 variant allele.
Comment: ABCC2: PM2

NM_000392.5(ABCC2):c.4027C>T (p.Leu1343Phe)

Gene: ABCC2 (ATP binding cassette subfamily C member 2; plus strand). Cytogenetic location: 10q24.2.
Variant type: single nucleotide variant.
Coding change: c.4027C>T on transcript NM_000392.5 (MANE Select); coding-DNA position 4027, C replaced by T.
Protein change: p.Leu1343Phe; replaces leucine 1343 with phenylalanine.
Molecular consequence: missense variant.
Genome position (GRCh38, 1-based): chr10:99,845,663, C>T. VCF-style: chr10-99845663-C-T. GRCh37 (hg19) VCF-style: chr10-101605420-C-T.
Other names: short protein forms L1343F.
Identifiers: ClinVar variation 2640752 (VCV002640752.24), dbSNP rs2493051129, ClinGen allele CA378127936.